The following is an entry in ClinVar:

NM_002471.4(MYH6):c.492C>T (p.Tyr164=)

Genes: MYH6 (myosin heavy chain 6; minus strand), LOC114827851 (VISTA enhancer hs2155; plus strand). Cytogenetic location: 14q11.2.
Variant type: single nucleotide variant.
Coding change: c.492C>T on transcript NM_002471.4 (MANE Select); coding-DNA position 492, C replaced by T.
Protein change: p.Tyr164=; no amino-acid change (tyrosine 164 retained).
Molecular consequence: synonymous variant.
Genome position (GRCh38, 1-based): chr14:23,405,233, G>A on the plus strand (C>T on the coding strand, the complement: MYH6 is on the minus strand). VCF-style: chr14-23405233-G-A. GRCh37 (hg19) VCF-style: chr14-23874442-G-A.
Identifiers: ClinVar variation 519090 (VCV000519090.24), dbSNP rs201380776, ClinGen allele CA7116156.

ClinVar aggregate classification (germline): Benign/Likely benign. Review status: criteria provided, multiple submitters, no conflicts (2 of 4 stars). 7 submissions from 7 submitters: Benign (3); Likely benign (3). 1 of the submissions does not count toward it. Last evaluated 2026-04-24.

Conditions:
Hypertrophic cardiomyopathy 14. Identifiers: MedGen C2750467, MONDO:0013197, OMIM 613251.
Cardiovascular phenotype. Identifiers: MedGen CN230736.
MYH6-related disorder. Also called: MYH6-related condition; MYH6-Related Disorders.

Allele frequency attached by ClinVar (database versions not stated): gnomAD exomes 0.00003 and 0.00014; ESP Exome Variant Server 0.00008; ExAC 0.00017; TOPMed 0.00037; gnomAD 0.00040 and 0.00041; 1000 Genomes Project 30x 0.00062; 1000 Genomes Project 0.00080.
gnomAD v4.1: 110 of 1,614,160 alleles (0.0068%); highest among the groups gnomAD compares: African/African-American, 0.13%; 2 homozygotes.

Submissions (7):

Women's Health and Genetics/Laboratory Corporation of America, LabCorp
Classification: Benign. Last evaluated: 2026-04-24. Review status: criteria provided, single submitter. Criteria: LabCorp Variant Classification Summary - May 2015. Collection method: clinical testing. Allele origin: germline.

Labcorp Genetics (formerly Invitae), Labcorp
Classification: Benign for Hypertrophic cardiomyopathy 14. Last evaluated: 2026-01-18. Review status: criteria provided, single submitter. Criteria: Invitae Variant Classification Sherloc (09022015). Collection method: clinical testing. Allele origin: germline.

ARUP Laboratories, Molecular Genetics and Genomics, ARUP Laboratories
Classification: Benign. Last evaluated: 2023-12-26. Review status: criteria provided, single submitter. Criteria: ARUP Molecular Germline Variant Investigation Process 2024. Collection method: clinical testing. Allele origin: germline.

Blueprint Genetics
Classification: Likely benign. Last evaluated: 2023-03-16. Review status: criteria provided, single submitter. Criteria: ACMG Guidelines, 2015. Collection method: clinical testing. Allele origin: germline.

GeneDx
Classification: Likely benign. Last evaluated: 2019-07-25. Review status: criteria provided, single submitter. Criteria: GeneDx Variant Classification Process June 2021. Collection method: clinical testing. Allele origin: germline. Affected: yes.

Ambry Genetics
Classification: Likely benign for Cardiovascular phenotype. Last evaluated: 2016-03-26. Review status: criteria provided, single submitter. Criteria: Ambry Variant Classification Scheme 2023. Collection method: clinical testing. Allele origin: germline.

PreventionGenetics, part of Exact Sciences
Classification: Likely benign for MYH6-related condition. Last evaluated: 2023-06-19. Review status: no assertion criteria provided. Collection method: clinical testing. Allele origin: germline. Not counted in ClinVar's aggregate classification.
Comment: This variant is classified as likely benign based on ACMG/AMP sequence variant interpretation guidelines (Richards et al. 2015 PMID: 25741868, with internal and published modifications).